The following is an entry in ClinVar:

ClinVar aggregate classification (germline): Uncertain significance (1 of 4 stars; one submission).

Conditions:
Congenital dyserythropoietic anemia, type II (CDAN2). Also called: DYSERYTHROPOIETIC ANEMIA, HEMPAS TYPE. Identifiers: Orphanet 98873, MedGen C1306589, MONDO:0009134, OMIM 224100.
Cowden syndrome 7 (CWS7). Identifiers: Orphanet 201, MedGen C4225179, MONDO:0014802, OMIM 616858.

Allele frequency attached by ClinVar (database versions not stated): ExAC 0.00002; gnomAD exomes 0.00002.
gnomAD v4.1: 33 of 1,614,222 alleles (0.002%); highest among the groups gnomAD compares: Non-Finnish European, 0.0027%; no homozygotes.

Submission:

Labcorp Genetics (formerly Invitae), Labcorp
Classification: Uncertain significance for Congenital dyserythropoietic anemia, type II; Cowden syndrome 7. Last evaluated: 2023-11-16. Review status: criteria provided, single submitter. Criteria: Invitae Variant Classification Sherloc (09022015). Collection method: clinical testing. Allele origin: germline.
Comment: This sequence change replaces glutamine, which is neutral and polar, with proline, which is neutral and non-polar, at codon 55 of the SEC23B protein (p.Gln55Pro). This variant is present in population databases (rs769340008, gnomAD 0.004%). This variant has not been reported in the literature in individuals affected with SEC23B-related conditions. Advanced modeling of protein sequence and biophysical properties (such as structural, functional, and spatial information, amino acid conservation, physicochemical variation, residue mobility, and thermodynamic stability) performed at Invitae indicates that this missense variant is not expected to disrupt SEC23B protein function with a negative predictive value of 95%. In summary, the available evidence is currently insufficient to determine the role of this variant in disease. Therefore, it has been classified as a Variant of Uncertain Significance.

NM_006363.6(SEC23B):c.164A>C (p.Gln55Pro)

Gene: SEC23B (SEC23 homolog B, COPII component; plus strand). Cytogenetic location: 20p11.23.
Variant type: single nucleotide variant.
Coding change: c.164A>C on transcript NM_006363.6 (MANE Select); coding-DNA position 164, A replaced by C.
Protein change: p.Gln55Pro; replaces glutamine 55 with proline.
Molecular consequence: missense variant.
Genome position (GRCh38, 1-based): chr20:18,510,999, A>C. VCF-style: chr20-18510999-A-C. GRCh37 (hg19) VCF-style: chr20-18491643-A-C.
Other names: c.164A>C, p.Gln55Pro (NM_001172745.3, NM_001172746.3, NM_032985.6 and 1 more transcripts); short protein forms Q55P.
Identifiers: ClinVar variation 2929139 (VCV002929139.1), dbSNP rs769340008, ClinGen allele CA9777937.